The following is an entry in ClinVar:

NM_001354768.3(NRL):c.287T>C (p.Met96Thr)

Gene: NRL (neural retina leucine zipper; minus strand). Cytogenetic location: 14q11.2.
Variant type: single nucleotide variant.
Coding change: c.287T>C on transcript NM_001354768.3 (MANE Select); coding-DNA position 287, T replaced by C.
Protein change: p.Met96Thr; replaces methionine 96 with threonine.
Molecular consequence: missense variant. On other transcripts: intron variant (1).
Genome position (GRCh38, 1-based): chr14:24,082,562, A>G on the plus strand (T>C on the coding strand, the complement: NRL is on the minus strand). VCF-style: chr14-24082562-A-G. GRCh37 (hg19) VCF-style: chr14-24551771-A-G.
Other names: c.287T>C, p.Met96Thr (NM_001354769.1, NM_006177.5); c.66+221T>C (NM_001354770.2); short protein forms M96T.
Identifiers: ClinVar variation 39510 (VCV000039510.6), dbSNP rs397514516, ClinGen allele CA261137.

ClinVar aggregate classification (germline): Uncertain significance. Review status: criteria provided, multiple submitters, no conflicts (2 of 4 stars). 4 submissions from 4 submitters: Uncertain significance (3). 1 of the submissions does not count toward it. Last evaluated 2024-12-02.

Conditions:
NRL-related disorder. Also called: NRL-related condition.
Retinitis pigmentosa 27 (RP27). Identifiers: Orphanet 791, MedGen C1834329, MONDO:0013402, OMIM 613750.

Allele frequency attached by ClinVar (database versions not stated): gnomAD exomes below 0.00001 and 0.00001; TOPMed below 0.00001; ExAC 0.00001.
gnomAD v4.1: 5 of 1,613,604 alleles (0.00031%); highest among the groups gnomAD compares: Middle Eastern, 0.017%; no homozygotes.

Submissions (4):

PreventionGenetics, part of Exact Sciences
Classification: Uncertain significance for NRL-related condition. Last evaluated: 2024-12-02. Review status: criteria provided, single submitter. Criteria: ACMG Guidelines, 2015. Collection method: clinical testing. Allele origin: germline.
Comment: The NRL c.287T>C variant is predicted to result in the amino acid substitution p.Met96Thr. This variant has been reported in three individuals from a kindred with retinitis pigmentosa; however, the variant was also detected in two unaffected family members (Hernan et al. 2012. PubMed ID: 21981118). This variant has also been reported in a cohort study of autosomal dominant retinitis pigmentosa (Martin-Merida et al. 2018. PubMed ID: 29847639). This variant is present in 0.00089% of alleles in individuals of European (Non-Finnish) descent in gnomAD. Although we suspect that this variant may be pathogenic, at this time, the clinical significance of this variant is uncertain due to the absence of conclusive functional and genetic evidence.

Labcorp Genetics (formerly Invitae), Labcorp
Classification: Uncertain significance. Last evaluated: 2024-03-13. Review status: criteria provided, single submitter. Criteria: Invitae Variant Classification Sherloc (09022015). Collection method: clinical testing. Allele origin: germline.
Comment: This sequence change replaces methionine, which is neutral and non-polar, with threonine, which is neutral and polar, at codon 96 of the NRL protein (p.Met96Thr). This variant is present in population databases (rs397514516, gnomAD 0.0009%). This missense change has been observed in individual(s) with autosomal dominant retinitis pigmentosa (PMID: 21981118). It has also been observed to segregate with disease in related individuals. ClinVar contains an entry for this variant (Variation ID: 39510). An algorithm developed to predict the effect of missense changes on protein structure and function (PolyPhen-2) suggests that this variant is likely to be tolerated. Experimental studies have shown that this missense change affects NRL function (PMID: 21981118). In summary, the available evidence is currently insufficient to determine the role of this variant in disease. Therefore, it has been classified as a Variant of Uncertain Significance.

Blueprint Genetics
Classification: Uncertain significance. Last evaluated: 2021-11-18. Review status: criteria provided, single submitter. Criteria: ACMG Guidelines, 2015. Collection method: clinical testing. Allele origin: germline.

OMIM
Classification: Pathogenic for RETINITIS PIGMENTOSA 27. Last evaluated: 2012-11-01. Review status: no assertion criteria provided. Collection method: literature only. Allele origin: germline. Not counted in ClinVar's aggregate classification.

Literature cited by the submitters: PubMed 21981118 (cited by Labcorp Genetics (formerly Invitae), Labcorp and OMIM); PubMed 11385710 (cited by OMIM).